The following is an entry in ClinVar:

NM_002691.4(POLD1):c.550G>A (p.Gly184Arg)

Gene: POLD1 (DNA polymerase delta 1, catalytic subunit; plus strand). Cytogenetic location: 19q13.33.
Variant type: single nucleotide variant.
Coding change: c.550G>A on transcript NM_002691.4 (MANE Select); coding-DNA position 550, G replaced by A.
Protein change: p.Gly184Arg; replaces glycine 184 with arginine.
Molecular consequence: missense variant. On other transcripts: non-coding transcript variant (1).
Genome position (GRCh38, 1-based): chr19:50,402,085, G>A. VCF-style: chr19-50402085-G-A. GRCh37 (hg19) VCF-style: chr19-50905342-G-A.
Other names: c.550G>A, p.Gly184Arg (NM_001256849.1, NM_001308632.1); c.550G>A (NM_002691.3); short protein forms G184R.
Identifiers: ClinVar variation 1467548 (VCV001467548.7), dbSNP rs2122239776, ClinGen allele CA406973302.

ClinVar aggregate classification (germline): Uncertain significance. Review status: criteria provided, multiple submitters, no conflicts (2 of 4 stars). 2 submissions from 2 submitters: Uncertain significance (2). Last evaluated 2023-12-31.

Conditions:
POLD1-related polyposis and colorectal cancer syndrome (CRCS10). Also called: Colorectal cancer 10; COLORECTAL CANCER, SUSCEPTIBILITY TO, ON CHROMOSOME 19q; Colorectal cancer, susceptibility to, 10. Identifiers: Orphanet 220460, MedGen C2675481, MONDO:0012953, OMIM 612591.

Submissions (2):

GeneDx
Classification: Uncertain significance. Last evaluated: 2023-12-31. Review status: criteria provided, single submitter. Criteria: GeneDx Variant Classification Process June 2021. Collection method: clinical testing. Allele origin: germline. Affected: yes.
Comment: Not observed at significant frequency in large population cohorts (gnomAD); In silico analysis supports that this missense variant does not alter protein structure/function; Has not been previously published as pathogenic or benign to our knowledge

Labcorp Genetics (formerly Invitae), Labcorp
Classification: Uncertain significance for POLD1-related polyposis and colorectal cancer syndrome. Last evaluated: 2022-11-09. Review status: criteria provided, single submitter. Criteria: Invitae Variant Classification Sherloc (09022015). Collection method: clinical testing. Allele origin: germline.
Comment: Advanced modeling of protein sequence and biophysical properties (such as structural, functional, and spatial information, amino acid conservation, physicochemical variation, residue mobility, and thermodynamic stability) performed at Invitae indicates that this missense variant is not expected to disrupt POLD1 protein function. In summary, the available evidence is currently insufficient to determine the role of this variant in disease. Therefore, it has been classified as a Variant of Uncertain Significance. ClinVar contains an entry for this variant (Variation ID: 1467548). This variant has not been reported in the literature in individuals affected with POLD1-related conditions. This variant is not present in population databases (gnomAD no frequency). This sequence change replaces glycine, which is neutral and non-polar, with arginine, which is basic and polar, at codon 184 of the POLD1 protein (p.Gly184Arg).